The following is an entry in ClinVar:

NM_052813.5(CARD9):c.693G>A (p.Thr231=)

Gene: CARD9 (caspase recruitment domain family member 9; minus strand). Cytogenetic location: 9q34.3.
Variant type: single nucleotide variant.
Coding change: c.693G>A on transcript NM_052813.5 (MANE Select); coding-DNA position 693, G replaced by A.
Protein change: p.Thr231=; no amino-acid change (threonine 231 retained).
Molecular consequence: synonymous variant.
Genome position (GRCh38, 1-based): chr9:136,370,636, C>T on the plus strand (G>A on the coding strand, the complement: CARD9 is on the minus strand). VCF-style: chr9-136370636-C-T. GRCh37 (hg19) VCF-style: chr9-139265088-C-T.
Other names: p.Thr231=; c.693G>A, p.Thr231= (NM_052814.4).
Identifiers: ClinVar variation 365848 (VCV000365848.16), dbSNP rs59902911, ClinGen allele CA5333006.
Genomic context (GRCh38, chr9:136,370,636, plus strand): 5'-CTGCAGCTCCCACAGCAGCTCCTGGCTGGGCCGCTGCTCCATGGCGTGCCTGAGCTTCAG[C>T]GTGTGCTTGCGCTCCACCTTGCAGTCGTCCTCGGCCTTCATGAGGCTGTGCTTGAGCTGG-3'
Protein context (NP_434700.2, residues 221-241): EDDCKVERKH[Thr231=]LKLRHAMEQR

ClinVar aggregate classification (germline): Benign/Likely benign. Review status: criteria provided, multiple submitters, no conflicts (2 of 4 stars). 4 submissions from 4 submitters: Benign (2); Likely benign (2). Last evaluated 2026-02-02.

Conditions:
Predisposition to invasive fungal disease due to CARD9 deficiency (IMD103). Also called: CARD9 IMMUNODEFICIENCY; Candidiasis, familial, 2, autosomal recessive; IMMUNODEFICIENCY 103, SUSCEPTIBILITY TO FUNGAL INFECTIONS. Identifiers: Orphanet 457088, MedGen C1859353, MONDO:0008905, OMIM 212050.

Allele frequency attached by ClinVar (database versions not stated): TOPMed 0.03703; ESP Exome Variant Server 0.03778; gnomAD exomes 0.03856; gnomAD 0.03899 and 0.03993; ExAC 0.03979; 1000 Genomes Project 30x 0.06199; 1000 Genomes Project 0.06330.
gnomAD v4.1: 55,198 of 1,612,742 alleles (3.4%); highest among the groups gnomAD compares: East Asian, 8.5%; 1,132 homozygotes.

Submissions (4):

Labcorp Genetics (formerly Invitae), Labcorp
Classification: Benign for Predisposition to invasive fungal disease due to CARD9 deficiency. Last evaluated: 2026-02-02. Review status: criteria provided, single submitter. Criteria: Invitae Variant Classification Sherloc (09022015). Collection method: clinical testing. Allele origin: germline.

Mayo Clinic Laboratories, Mayo Clinic
Classification: Benign. Last evaluated: 2022-09-06. Review status: criteria provided, single submitter. Criteria: ACMG Guidelines, 2015. Collection method: clinical testing. Allele origin: germline. Observed: 8 variant alleles.

Illumina Laboratory Services, Illumina
Classification: Likely benign for Predisposition to invasive fungal disease due to CARD9 deficiency. Last evaluated: 2017-04-27. Review status: criteria provided, single submitter. Criteria: ICSL Variant Classification Criteria 13 December 2019. Collection method: clinical testing. Allele origin: germline.
Comment: This variant was observed as part of a predisposition screen in an ostensibly healthy population. A literature search was performed for the gene, cDNA change, and amino acid change (where applicable). No publications were found based on this search. Allele frequency data from public databases allowed determination this variant is unlikely to cause disease. Therefore, this variant is classified as likely benign.

Breakthrough Genomics
Classification: Likely benign. Review status: criteria provided, single submitter. Criteria: ACMG Guidelines, 2015. Collection method: not provided. Allele origin: germline. Inheritance: Autosomal recessive inheritance. Affected: yes.